The following is an entry in ClinVar:

ClinVar aggregate classification (germline): Uncertain significance (1 of 4 stars; one submission).

Submission:

Labcorp Genetics (formerly Invitae), Labcorp
Classification: Uncertain significance. Last evaluated: 2022-08-12. Review status: criteria provided, single submitter. Criteria: Invitae Variant Classification Sherloc (09022015). Collection method: clinical testing. Allele origin: germline.
Comment: This sequence change replaces glutamine, which is neutral and polar, with glutamic acid, which is acidic and polar, at codon 911 of the CEP250 protein (p.Gln911Glu). This variant is not present in population databases (gnomAD no frequency). This variant has not been reported in the literature in individuals affected with CEP250-related conditions. Algorithms developed to predict the effect of missense changes on protein structure and function output the following: SIFT: "Not Available"; PolyPhen-2: "Benign"; Align-GVGD: "Not Available". The glutamic acid amino acid residue is found in multiple mammalian species, which suggests that this missense change does not adversely affect protein function. In summary, the available evidence is currently insufficient to determine the role of this variant in disease. Therefore, it has been classified as a Variant of Uncertain Significance.

NM_007186.6(CEP250):c.2731C>G (p.Gln911Glu)

Genes: CEP250 (centrosomal protein 250; plus strand), CEP250-AS1 (CEP250 antisense RNA 1; minus strand), LOC130065760 (ATAC-STARR-seq lymphoblastoid active region 17785; plus strand). Cytogenetic location: 20q11.22.
Variant type: single nucleotide variant.
Coding change: c.2731C>G on transcript NM_007186.6 (MANE Select); coding-DNA position 2731, C replaced by G.
Protein change: p.Gln911Glu; replaces glutamine 911 with glutamic acid.
Molecular consequence: missense variant.
Genome position (GRCh38, 1-based): chr20:35,490,781, C>G. VCF-style: chr20-35490781-C-G. GRCh37 (hg19) VCF-style: chr20-34078607-C-G.
Other names: c.835C>G, p.Gln279Glu (NM_001318219.1); short protein forms Q279E, Q911E.
Identifiers: ClinVar variation 1964750 (VCV001964750.5), dbSNP rs2515998764, ClinGen allele CA408739426.